The following is an entry in ClinVar:

ClinVar aggregate classification (germline): Uncertain significance (1 of 4 stars; one submission).

Submission:

GeneDx
Classification: Uncertain significance. Last evaluated: 2022-09-19. Review status: criteria provided, single submitter. Criteria: GeneDx Variant Classification Process June 2021. Collection method: clinical testing. Allele origin: germline. Affected: yes.
Comment: Not observed at significant frequency in large population cohorts (gnomAD); In silico analysis supports that this missense variant does not alter protein structure/function; Has not been previously published as pathogenic or benign to our knowledge

NM_001394372.1(BICRA):c.4342C>T (p.Pro1448Ser)

Gene: BICRA (BRD4 interacting chromatin remodeling complex associated protein; plus strand). Cytogenetic location: 19q13.33.
Variant type: single nucleotide variant.
Coding change: c.4342C>T on transcript NM_001394372.1 (MANE Select); coding-DNA position 4342, C replaced by T.
Protein change: p.Pro1448Ser; replaces proline 1448 with serine.
Molecular consequence: missense variant.
Genome position (GRCh38, 1-based): chr19:47,702,074, C>T. VCF-style: chr19-47702074-C-T. GRCh37 (hg19) VCF-style: chr19-48205331-C-T.
Other names: c.4342C>T, p.Pro1448Ser (NM_015711.3); short protein forms P1448S.
Identifiers: ClinVar variation 2444820 (VCV002444820.1), dbSNP rs2514139394, ClinGen allele CA406616031.